The following is an entry in ClinVar:

ClinVar aggregate classification (germline): Benign. Review status: criteria provided, multiple submitters, no conflicts (2 of 4 stars). 2 submissions from 2 submitters: Benign (2). Last evaluated 2018-06-19.

Allele frequency attached by ClinVar (database versions not stated): gnomAD 0.02435 and 0.02596; TOPMed 0.02764; 1000 Genomes Project 0.03275; 1000 Genomes Project 30x 0.03342.
gnomAD v4.1: 7,277 of 1,543,636 alleles (0.47%); highest among the groups gnomAD compares: African/African-American, 8.5%; 281 homozygotes.

Submissions (2):

GeneDx
Classification: Benign. Last evaluated: 2018-06-19. Review status: criteria provided, single submitter. Criteria: GeneDx Variant Classification (06012015). Collection method: clinical testing. Allele origin: germline. Affected: yes.
Comment: This variant is considered likely benign or benign based on one or more of the following criteria: it is a conservative change, it occurs at a poorly conserved position in the protein, it is predicted to be benign by multiple in silico algorithms, and/or has population frequency not consistent with disease.

Breakthrough Genomics
Classification: Benign. Review status: criteria provided, single submitter. Criteria: ACMG Guidelines, 2015. Collection method: not provided. Allele origin: germline. Inheritance: Autosomal recessive inheritance. Affected: yes.

NM_000350.3(ABCA4):c.3190+101G>A

Gene: ABCA4 (ATP binding cassette subfamily A member 4; minus strand). Cytogenetic location: 1p22.1.
Variant type: single nucleotide variant.
Coding change: c.3190+101G>A on transcript NM_000350.3 (MANE Select); 101 bases into the intron after coding-DNA position 3190, G replaced by A.
Molecular consequence: intron variant.
Genome position (GRCh38, 1-based): chr1:94,043,235, C>T on the plus strand (G>A on the coding strand, the complement: ABCA4 is on the minus strand). VCF-style: chr1-94043235-C-T. GRCh37 (hg19) VCF-style: chr1-94508791-C-T.
Identifiers: ClinVar variation 678877 (VCV000678877.2), dbSNP rs79871431, ClinGen allele CA26866118.